The following is an entry in ClinVar:

NM_003680.4(YARS1):c.761del (p.Asn254fs)

Genes: YARS1 (tyrosyl-tRNA synthetase 1; minus strand), LOC126805688 (BRD4-independent group 4 enhancer GRCh37_chr1:33251929-33253128; plus strand). Cytogenetic location: 1p35.1.
Variant type: Deletion.
Coding change: c.761del on transcript NM_003680.4 (MANE Select); coding-DNA position 761, one base deleted (A; older notation c.761delA).
Protein change: p.Asn254fs; shifts the reading frame from asparagine 254.
Molecular consequence: frameshift variant.
Genome position (GRCh38, 1-based): chr1:32,786,999, T deleted on the plus strand (A on the coding strand, the reverse complement: YARS1 is on the minus strand); the first of 3 consecutive T bases (chr1:32,786,999-32,787,001); deleting any one gives the same sequence. VCF-style (leftmost placement, unchanged base first): chr1-32786998-AT-A. GRCh37 (hg19) VCF-style: chr1-33252599-AT-A.
Other names: c.761delA (NM_003680.3); short protein forms N254fs.
Identifiers: ClinVar variation 3061062 (VCV003061062.2), dbSNP rs2523373241, ClinGen allele CA2740090634.
Genomic context (GRCh38, chr1:32,786,998, plus strand): 5'-ACCGGACTTAAGGGGAAAAAGGACATGCTTGATGAAGGACAGAACCCCATTGTTCTCCAC[AT>A]TTCCTGGCTCACAGAAGGCCTTCTTCAGTTTTTTCTTCACATCCTCCTTCCGATCAAGGA-3'

ClinVar aggregate classification (germline): Uncertain significance (0 of 4 stars; one submission).

Conditions:
YARS1-related disorder. Also called: YARS1-related condition.

Submission:

PreventionGenetics, part of Exact Sciences
Classification: Uncertain significance for YARS1-related condition. Last evaluated: 2024-02-07. Review status: no assertion criteria provided. Collection method: clinical testing. Allele origin: germline.
Comment: The YARS1 c.761delA variant is predicted to result in a frameshift and premature protein termination (p.Asn254Metfs*23). To our knowledge, this variant has not been reported in the literature or in a large population database, indicating this variant is rare. Loss-of-function has not been established as a disease mechanism for this gene, and therefore the clinical significance of this variant is currently uncertain due to the absence of conclusive functional and genetic evidence.